The following is an entry in ClinVar:

ClinVar aggregate classification (germline): Uncertain significance (1 of 4 stars; one submission).

gnomAD v4.1: 2 of 1,613,942 alleles (0.00012%); highest among the groups gnomAD compares: Non-Finnish European, 0.00017%; no homozygotes.

Submission:

GeneDx
Classification: Uncertain significance. Last evaluated: 2021-12-23. Review status: criteria provided, single submitter. Criteria: GeneDx Variant Classification Process June 2021. Collection method: clinical testing. Allele origin: germline. Affected: yes.
Comment: Not observed at significant frequency in large population cohorts (gnomAD); In silico analysis supports that this missense variant has a deleterious effect on protein structure/function; Has not been previously published as pathogenic or benign to our knowledge

NM_000719.7(CACNA1C):c.5956A>G (p.Ser1986Gly)

Genes: CACNA1C (calcium voltage-gated channel subunit alpha1 C; plus strand), CACNA1C-AS1 (CACNA1C antisense RNA 1; minus strand). Cytogenetic location: 12p13.33.
Variant type: single nucleotide variant.
Coding change: c.5956A>G on transcript NM_000719.7 (MANE Select); coding-DNA position 5956, A replaced by G.
Protein change: p.Ser1986Gly; replaces serine 1986 with glycine.
Molecular consequence: missense variant.
Genome position (GRCh38, 1-based): chr12:2,688,618, A>G. VCF-style: chr12-2688618-A-G. GRCh37 (hg19) VCF-style: chr12-2797784-A-G.
Other names: c.6013A>G, p.Ser2005Gly (NM_001129834.2, NM_001129833.2, NM_001129835.2); c.6100A>G, p.Ser2034Gly (NM_001129827.2); c.6079A>G, p.Ser2027Gly (NM_001129829.2); c.6061A>G, p.Ser2021Gly (NM_001129830.3, NM_001167624.3); c.6040A>G, p.Ser2014Gly (NM_001129831.2); c.6016A>G, p.Ser2006Gly (NM_001129832.2); c.6007A>G, p.Ser2003Gly (NM_001129836.2); c.5980A>G, p.Ser1994Gly (NM_001129837.2, NM_001129838.2); and 6 more; short protein forms S1975G, S1983G, S1986G, S1992G, S1994G, S2003G, S2005G, S2006G.
Identifiers: ClinVar variation 1693075 (VCV001693075.2), dbSNP rs2153866077, ClinGen allele CA383384726.